The following is an entry in ClinVar:

NM_001111.5(ADAR):c.2407G>T (p.Gly803Cys)

Gene: ADAR (adenosine deaminase RNA specific; minus strand). Cytogenetic location: 1q21.3.
Variant type: single nucleotide variant.
Coding change: c.2407G>T on transcript NM_001111.5 (MANE Select); coding-DNA position 2407, G replaced by T.
Protein change: p.Gly803Cys; replaces glycine 803 with cysteine.
Molecular consequence: missense variant.
Genome position (GRCh38, 1-based): chr1:154,590,273, C>A on the plus strand (G>T on the coding strand, the complement: ADAR is on the minus strand). VCF-style: chr1-154590273-C-A. GRCh37 (hg19) VCF-style: chr1-154562749-C-A.
Other names: c.1522G>T, p.Gly508Cys (NM_001025107.3, NM_001193495.2, NM_001365046.1 and 3 more transcripts); c.2434G>T, p.Gly812Cys (NM_001365045.1); c.2407G>T, p.Gly803Cys (NM_015840.4); c.2350G>T, p.Gly784Cys (NM_015841.4); short protein forms G784C, G508C, G803C, G812C.
Identifiers: ClinVar variation 1505988 (VCV001505988.6), dbSNP rs1277475981, ClinGen allele CA342637317.
Genomic context (GRCh38, chr1:154,590,273, plus strand): 5'-AGAGGAGGAGCATAGTTCTTCTGAGACTGGCCCCTGTCACTGGGGTTACCTCTGTGAAAC[C>A]CATGCGTTCTGCCTTCTCGTTCTCCCCAATCAAGACACGGAGAGCCGCATCTGCTGCTTC-3'
Protein context (NP_001102.3, residues 793-813): IGENEKAERM[Gly803Cys]FTEVTPVTGA

ClinVar aggregate classification (germline): Uncertain significance (1 of 4 stars; one submission).

Conditions:
Symmetrical dyschromatosis of extremities (DSH). Also called: DYSCHROMATOSIS SYMMETRICA HEREDITARIA 1; RETICULATE ACROPIGMENTATION OF DOHI; SYMMETRIC DYSCHROMATOSIS OF THE EXTREMITIES; Dyschromatosis symmetrica hereditaria. Identifiers: Orphanet 41, MedGen C0406775, MONDO:0007483, OMIM 127400.
Aicardi-Goutieres syndrome 6 (AGS6). Identifiers: Orphanet 51, MedGen C3539013, MONDO:0014007, OMIM 615010.

Allele frequency attached by ClinVar (database versions not stated): gnomAD 0.00004 and 0.00003; gnomAD exomes below 0.00001 and 0.00001; TOPMed 0.00003.
gnomAD v4.1: 11 of 1,613,888 alleles (0.00068%); highest among the groups gnomAD compares: African/African-American, 0.008%; no homozygotes.

Submission:

Labcorp Genetics (formerly Invitae), Labcorp
Classification: Uncertain significance for Aicardi-Goutieres syndrome 6; Symmetrical dyschromatosis of extremities. Last evaluated: 2024-04-25. Review status: criteria provided, single submitter. Criteria: Invitae Variant Classification Sherloc (09022015). Collection method: clinical testing. Allele origin: germline.
Comment: This sequence change replaces glycine, which is neutral and non-polar, with cysteine, which is neutral and slightly polar, at codon 803 of the ADAR protein (p.Gly803Cys). This variant is present in population databases (no rsID available, gnomAD 0.006%). This variant has not been reported in the literature in individuals affected with ADAR-related conditions. ClinVar contains an entry for this variant (Variation ID: 1505988). Advanced modeling of protein sequence and biophysical properties (such as structural, functional, and spatial information, amino acid conservation, physicochemical variation, residue mobility, and thermodynamic stability) performed at Invitae indicates that this missense variant is not expected to disrupt ADAR protein function with a negative predictive value of 80%. In summary, the available evidence is currently insufficient to determine the role of this variant in disease. Therefore, it has been classified as a Variant of Uncertain Significance.